The following is an entry in ClinVar:

NM_001113491.2(SEPTIN9):c.1750C>G (p.Pro584Ala)

Gene: SEPTIN9 (septin 9; plus strand). Cytogenetic location: 17q25.3.
Variant type: single nucleotide variant.
Coding change: c.1750C>G on transcript NM_001113491.2 (MANE Select); coding-DNA position 1750, C replaced by G.
Protein change: p.Pro584Ala; replaces proline 584 with alanine.
Molecular consequence: missense variant.
Genome position (GRCh38, 1-based): chr17:77,498,647, C>G. VCF-style: chr17-77498647-C-G. GRCh37 (hg19) VCF-style: chr17-75494729-C-G.
Other names: c.1078C>G, p.Pro360Ala (NM_001293696.2); c.997C>G, p.Pro333Ala (NM_001293697.2, NM_001293698.2, NM_001113495.2 and 1 more transcripts); c.1696C>G, p.Pro566Ala (NM_006640.5); c.1258C>G, p.Pro420Ala (NM_001113492.2, NM_001113494.1); c.1729C>G, p.Pro577Ala (NM_001113493.2); c.1693C>G, p.Pro565Ala (NM_001293695.2); short protein forms P333A, P420A, P565A, P566A, P577A, P584A, P360A.
Identifiers: ClinVar variation 2833180 (VCV002833180.3), dbSNP rs2510136707, ClinGen allele CA401205405.

ClinVar aggregate classification (germline): Uncertain significance (1 of 4 stars; one submission).

gnomAD v4.1: 1 of 1,609,272 alleles (0.000062%); highest among the groups gnomAD compares: African/African-American, 0.0013%; no homozygotes.

Submission:

Labcorp Genetics (formerly Invitae), Labcorp
Classification: Uncertain significance. Last evaluated: 2023-01-31. Review status: criteria provided, single submitter. Criteria: Invitae Variant Classification Sherloc (09022015). Collection method: clinical testing. Allele origin: germline.
Comment: In summary, the available evidence is currently insufficient to determine the role of this variant in disease. Therefore, it has been classified as a Variant of Uncertain Significance. Algorithms developed to predict the effect of missense changes on protein structure and function (SIFT, PolyPhen-2, Align-GVGD) all suggest that this variant is likely to be tolerated. This variant has not been reported in the literature in individuals affected with SEPT9-related conditions. This variant is not present in population databases (gnomAD no frequency). This sequence change replaces proline, which is neutral and non-polar, with alanine, which is neutral and non-polar, at codon 566 of the SEPT9 protein (p.Pro566Ala).